The following is an entry in ClinVar:

NM_001375380.1(EBF3):c.1259_1260insT (p.Gln421fs)

Gene: EBF3 (EBF transcription factor 3; minus strand). Cytogenetic location: 10q26.3.
Variant type: Insertion.
Coding change: c.1259_1260insT on transcript NM_001375380.1 (MANE Select); coding-DNA positions 1259 to 1260, T inserted.
Protein change: p.Gln421fs; shifts the reading frame from glutamine 421.
Molecular consequence: frameshift variant.
Genome position: GRCh38 VCF-style: chr10-129842228-G-GA. GRCh37 (hg19) VCF-style: chr10-131640492-G-GA.
Other names: c.1232_1233insT, p.Gln412fs (NM_001005463.3, NM_001375390.1, NM_001375392.1); c.1259_1260insT, p.Gln421fs (NM_001375379.1, NM_001375389.1, NM_001375391.1); short protein forms Q412fs, Q421fs.
Identifiers: ClinVar variation 844228 (VCV000844228.7), dbSNP rs1850117876, ClinGen allele CA916083108.

ClinVar aggregate classification (germline): Pathogenic (1 of 4 stars; one submission).

Submission:

Labcorp Genetics (formerly Invitae), Labcorp
Classification: Pathogenic. Last evaluated: 2019-04-23. Review status: criteria provided, single submitter. Criteria: Invitae Variant Classification Sherloc (09022015). Collection method: clinical testing. Allele origin: germline.
Comment: Loss-of-function variants in EBF3 are known to be pathogenic (PMID: 28017370, 28017373). This variant has not been reported in the literature in individuals with EBF3-related conditions. This variant is not present in population databases (ExAC no frequency). This sequence change creates a premature translational stop signal (p.Gln412Profs*69) in the EBF3 gene. It is expected to result in an absent or disrupted protein product. For these reasons, this variant has been classified as Pathogenic.

Literature cited by the submitters: PubMed 28017370; PubMed 28017373.